The following is an entry in ClinVar:

ClinVar aggregate classification (germline): Uncertain significance (1 of 4 stars; one submission).

Conditions:
Tay-Sachs disease (TSD). Also called: HEXA DEFICIENCY; HEXA Disorders; GM2 gangliosidosis, type 1; Hexosaminidase alpha-subunit deficiency (variant B); Sphingolipidosis, Tay-Sachs; Hexosaminidase A Deficiency. Identifiers: Orphanet 845, MedGen C0039373, MONDO:0010100, OMIM 272800.

Allele frequency attached by ClinVar (database versions not stated): gnomAD exomes below 0.00001; TOPMed below 0.00001; ExAC 0.00001.
gnomAD v4.1: 3 of 1,607,896 alleles (0.00019%); highest among the groups gnomAD compares: Admixed American, 0.0017%; no homozygotes.

Submission:

Labcorp Genetics (formerly Invitae), Labcorp
Classification: Uncertain significance for Tay-Sachs disease. Last evaluated: 2018-04-12. Review status: criteria provided, single submitter. Criteria: Invitae Variant Classification Sherloc (09022015). Collection method: clinical testing. Allele origin: germline.
Comment: This sequence change replaces lysine with glutamic acid at codon 158 of the HEXA protein (p.Lys158Glu). The lysine residue is moderately conserved and there is a small physicochemical difference between lysine and glutamic acid. This variant is present in population databases (rs752813753, ExAC 0.01%). This variant has not been reported in the literature in individuals with HEXA-related disease. Algorithms developed to predict the effect of missense changes on protein structure and function (SIFT, PolyPhen-2, Align-GVGD) all suggest that this variant is likely to be tolerated, but these predictions have not been confirmed by published functional studies and their clinical significance is uncertain. In summary, the available evidence is currently insufficient to determine the role of this variant in disease. Therefore, it has been classified as a Variant of Uncertain Significance.

NM_000520.6(HEXA):c.472A>G (p.Lys158Glu)

Gene: HEXA (hexosaminidase subunit alpha; minus strand). Cytogenetic location: 15q23.
Variant type: single nucleotide variant.
Coding change: c.472A>G on transcript NM_000520.6 (MANE Select); coding-DNA position 472, A replaced by G.
Protein change: p.Lys158Glu; replaces lysine 158 with glutamic acid.
Molecular consequence: missense variant. On other transcripts: non-coding transcript variant (1).
Genome position (GRCh38, 1-based): chr15:72,353,166, T>C on the plus strand (A>G on the coding strand, the complement: HEXA is on the minus strand). VCF-style: chr15-72353166-T-C. GRCh37 (hg19) VCF-style: chr15-72645507-T-C.
Other names: c.505A>G, p.Lys169Glu (NM_001318825.2); short protein forms K158E, K169E.
Identifiers: ClinVar variation 2423998 (VCV002423998.3), dbSNP rs752813753, ClinGen allele CA7644984.